The following is an entry in ClinVar:

NM_001371727.1(GABRB2):c.851C>G (p.Thr284Arg)

Gene: GABRB2 (gamma-aminobutyric acid type A receptor subunit beta2; minus strand). Cytogenetic location: 5q34.
Variant type: single nucleotide variant.
Coding change: c.851C>G on transcript NM_001371727.1 (MANE Select); coding-DNA position 851, C replaced by G.
Protein change: p.Thr284Arg; replaces threonine 284 with arginine.
Molecular consequence: missense variant.
Genome position (GRCh38, 1-based): chr5:161,331,109, G>C on the plus strand (C>G on the coding strand, the complement: GABRB2 is on the minus strand). VCF-style: chr5-161331109-G-C. GRCh37 (hg19) VCF-style: chr5-160758116-G-C.
Other names: c.851C>G, p.Thr284Arg (NM_000813.3, NM_021911.3); short protein forms T284R.
Identifiers: ClinVar variation 4880788 (VCV004880788.2).
Genomic context (GRCh38, chr5:161,331,109, plus strand): 5'-GCCTTCACATAGGGGATTTTAGGGAGAGTTTCCCGGAGGTGGGTGTTGATTGTGGTCATT[G>C]TGAGGACAGTTGTGATTCCTGAAAAAAAATGGGAGAGTTAGAGTAATAATGTTCCTATCT-3'
Protein context (NP_001358656.1, residues 274-294): RVALGITTVL[Thr284Arg]MTTINTHLRE

ClinVar aggregate classification (germline): Likely pathogenic (1 of 4 stars; one submission).

Conditions:
Developmental and epileptic encephalopathy 92. Also called: EPILEPTIC ENCEPHALOPATHY, INFANTILE OR EARLY CHILDHOOD, 2. Identifiers: MedGen C4693362, MONDO:0020631, OMIM 617829.

Submission:

Dasa
Classification: Likely pathogenic for Developmental and epileptic encephalopathy 92. Last evaluated: 2025-11-24. Review status: criteria provided, single submitter. Criteria: DASA Assertion Criteria. Collection method: clinical testing. Allele origin: germline.
Comment: NM_001371727.1(GABRB2):c.851C>G (p.Thr284Arg) is a missense variant that results in the substitution of threonine with arginine. The affected residue or protein region has prior evidence supporting clinical relevance. This variant has been reported as a de novo occurrence in an affected individual (PMID: 29100083). Also, this variant is absent from population databases. Computational evidence supports a deleterious effect. Based on the currently available evidence, this variant is classified as likely pathogenic.

Literature cited by the submitters: PubMed 29100083.